The following is an entry in ClinVar:

NM_001267550.2(TTN):c.67354_67355delinsAA (p.Pro22452Asn)

Genes: TTN (titin; minus strand), TTN-AS1 (TTN antisense RNA 1; plus strand). Cytogenetic location: 2q31.2.
Variant type: Indel.
Coding change: c.67354_67355delinsAA on transcript NM_001267550.2 (MANE Select); coding-DNA positions 67354 to 67355, CC replaced by AA.
Protein change: p.Pro22452Asn; replaces proline 22452 with asparagine.
Molecular consequence: missense variant.
Genome position (GRCh38, 1-based): chr2:178,579,842-178,579,843, GG replaced by TT on the plus strand (CC replaced by AA on the coding strand, the reverse complement: TTN is on the minus strand). VCF-style: chr2-178579842-GG-TT. GRCh37 (hg19) VCF-style: chr2-179444569-GG-TT.
Other names: c.62431_62432delinsAA, p.Pro20811Asn (NM_001256850.1); c.40159_40160delinsAA, p.Pro13387Asn (NM_003319.4); c.59650_59651delinsAA, p.Pro19884Asn (NM_133378.4); c.40534_40535delinsAA, p.Pro13512Asn (NM_133432.3); c.40735_40736delinsAA, p.Pro13579Asn (NM_133437.4); c.40159_40160delCCinsAA (NM_003319.4); short protein forms P13579N, P20811N, P22452N, P13387N, P13512N, P19884N.
Identifiers: ClinVar variation 4824752 (VCV004824752.1).
Genomic context (GRCh38, chr2:178,579,842, plus strand): 5'-CAGCCAATGCTACAGGATGACTTAGATACAGACCTCACTTTCAGGTCCACAACTGGTCCA[GG>TT]AGTTTCTAAAGCAAAGGAGAAATGATAAGTGTAAGCCCCATATAACAAAGGAAGGATATA-3'
Protein context (NP_001254479.2, residues 22442-22462): TRDAVKASQT[Pro22452Asn]GPVVDLKVRS

ClinVar aggregate classification (germline): Uncertain significance (1 of 4 stars; one submission).

Conditions:
Cardiovascular phenotype. Identifiers: MedGen CN230736.

Submission:

Ambry Genetics
Classification: Uncertain significance for Cardiovascular phenotype. Last evaluated: 2026-02-26. Review status: criteria provided, single submitter. Criteria: Ambry Variant Classification Scheme 2023. Collection method: clinical testing. Allele origin: germline.
Comment: The c.40159_40160delCCinsAA variant (also known as p.P13387N), located in coding exon 146 of the TTN gene, results from an in-frame deletion of CC and insertion of AA at nucleotide positions 40159 to 40160. This results in the substitution of the proline residue for an asparagine residue at codon 13387, an amino acid with similar properties. This amino acid position is highly conserved in available vertebrate species. Based on data from gnomAD, the delCCinsAA allele has an overall frequency of <0.01% (5/246562) total alleles studied. The highest observed frequency was 0.03% (5/17882) of East Asian alleles. Based on the available evidence, the clinical significance of this variant remains unclear.